The following is an entry in ClinVar:

NM_020631.6(PLEKHG5):c.2691C>T (p.Ala897=)

Gene: PLEKHG5 (pleckstrin homology and RhoGEF domain containing G5; minus strand). Cytogenetic location: 1p36.31.
Variant type: single nucleotide variant.
Coding change: c.2691C>T on transcript NM_020631.6 (MANE Select); coding-DNA position 2691, C replaced by T.
Protein change: p.Ala897=; no amino-acid change (alanine 897 retained).
Molecular consequence: synonymous variant.
Genome position (GRCh38, 1-based): chr1:6,468,145, G>A on the plus strand (C>T on the coding strand, the complement: PLEKHG5 is on the minus strand). VCF-style: chr1-6468145-G-A. GRCh37 (hg19) VCF-style: chr1-6528205-G-A.
Other names: c.2802C>T, p.Ala934= (NM_001042663.3, NM_001265592.2); c.2691C>T, p.Ala897= (NM_001042664.2, NM_001042665.2, NM_001265594.3 and 1 more transcripts); c.2898C>T, p.Ala966= (NM_001265593.2).
Identifiers: ClinVar variation 297936 (VCV000297936.21), dbSNP rs755539639, ClinGen allele CA561106.

ClinVar aggregate classification (germline): Conflicting classifications of pathogenicity. Review status: criteria provided, conflicting classifications (1 of 4 stars). 6 submissions from 6 submitters: Uncertain significance (1); Likely benign (5). Last evaluated 2026-08-17.

Conditions:
Neuronopathy, distal hereditary motor, autosomal recessive 4. Also called: NEUROPATHY, DISTAL HEREDITARY MOTOR, AUTOSOMAL RECESSIVE 4; Autosomal recessive lower motor neuron disease with childhood onset. Identifiers: Orphanet 206580, MedGen C1970211, MONDO:0012608, OMIM 611067.
PLEKHG5-related disorder. Also called: PLEKHG5-related condition.
Inborn genetic diseases. Identifiers: MedGen C0950123, MeSH D030342.
Charcot-Marie-Tooth disease recessive intermediate C. Also called: CHARCOT-MARIE-TOOTH NEUROPATHY, RECESSIVE INTERMEDIATE C. Identifiers: Orphanet 369867, MedGen C3809309, MONDO:0014154, OMIM 615376.

Allele frequency attached by ClinVar (database versions not stated): ExAC 0.00001; gnomAD exomes 0.00002; gnomAD 0.00003; TOPMed 0.00010.
gnomAD v4.1: 242 of 1,571,222 alleles (0.015%); highest among the groups gnomAD compares: Non-Finnish European, 0.02%; no homozygotes.

Submissions (6):

PreventionGenetics, part of Exact Sciences
Classification: Likely benign for PLEKHG5-related condition. Last evaluated: 2026-08-17. Review status: criteria provided, single submitter. Criteria: ACMG Guidelines, 2015. Collection method: clinical testing. Allele origin: germline.
Comment: This variant is classified as likely benign based on ACMG/AMP sequence variant interpretation guidelines (Richards et al. 2015 PMID: 25741868, with internal and published modifications).

Labcorp Genetics (formerly Invitae), Labcorp
Classification: Likely benign for Neuronopathy, distal hereditary motor, autosomal recessive 4; Charcot-Marie-Tooth disease recessive intermediate C. Last evaluated: 2025-12-14. Review status: criteria provided, single submitter. Criteria: Invitae Variant Classification Sherloc (09022015). Collection method: clinical testing. Allele origin: germline.

Blueprint Genetics
Classification: Likely benign. Last evaluated: 2024-06-10. Review status: criteria provided, single submitter. Criteria: ACMG Guidelines, 2015. Collection method: clinical testing. Allele origin: germline.

GeneDx
Classification: Likely benign. Last evaluated: 2020-01-27. Review status: criteria provided, single submitter. Criteria: GeneDx Variant Classification Process June 2021. Collection method: clinical testing. Allele origin: germline. Affected: yes.

Ambry Genetics
Classification: Likely benign for Inborn genetic diseases. Last evaluated: 2019-07-11. Review status: criteria provided, single submitter. Criteria: Ambry Variant Classification Scheme 2023. Collection method: clinical testing. Allele origin: germline.

Illumina Laboratory Services, Illumina
Classification: Uncertain significance for Neuronopathy, distal hereditary motor, autosomal recessive 4. Last evaluated: 2018-01-13. Review status: criteria provided, single submitter. Criteria: ICSL Variant Classification Criteria 13 December 2019. Collection method: clinical testing. Allele origin: germline.